The following is an entry in ClinVar:

ClinVar aggregate classification (germline): Uncertain significance (1 of 4 stars; one submission).

Submission:

Women's Health and Genetics/Laboratory Corporation of America, LabCorp
Classification: Uncertain significance. Last evaluated: 2025-05-06. Review status: criteria provided, single submitter. Criteria: LabCorp Variant Classification Summary - May 2015. Collection method: clinical testing. Allele origin: germline.
Comment: Variant summary: NAGLU c.1022-15_1022-2delinsGTCCTGT is located in a canonical splice-site and is predicted to affect mRNA splicing resulting in a significantly altered protein due to either exon skipping, shortening, or inclusion of intronic material. Variants that disrupt the consensus splice site are a relatively common cause of aberrant splicing and loss of NAGLU function. Several computational tools predict a significant impact on normal splicing: Four predict the variant abolishes a 3' acceptor site. However, these predictions have yet to be confirmed by functional studies. The variant was absent in 1601370 control chromosomes. To our knowledge, no occurrence of c.1022-15_1022-2delinsGTCCTGT in individuals affected with Mucopolysaccharidosis Type IIIB (Sanfilippo Syndrome B) and no experimental evidence demonstrating its impact on protein function have been reported. A different variant disrupting this splice site (c.1022-2A>G) has been classified as Likely Pathogenic/Pathogenic at Labcorp, suggesting that loss of this splice site may be clinically relevant, but it is unclear if the present deletion/insertion variant would have the same splicing impact. No submitters have cited clinical-significance assessments for this variant to ClinVar. Based on the evidence outlined above, the variant was classified as uncertain significance.

NM_000263.4(NAGLU):c.1022-15_1022-2delinsGTCCTGT

Gene: NAGLU (N-acetyl-alpha-glucosaminidase; plus strand). Cytogenetic location: 17q21.2.
Variant type: Indel.
Coding change: c.1022-15_1022-2delinsGTCCTGT on transcript NM_000263.4 (MANE Select); 15 bases into the intron before coding-DNA position 1022 through the canonical splice acceptor site of the intron before coding-DNA position 1022, ACCTCCTGTCCACA replaced by GTCCTGT.
Molecular consequence: splice acceptor variant.
Genome position (GRCh38, 1-based): chr17:42,543,013-42,543,026, ACCTCCTGTCCACA replaced by GTCCTGT. VCF-style: chr17-42543013-ACCTCCTGTCCACA-GTCCTGT. GRCh37 (hg19) VCF-style: chr17-40695031-ACCTCCTGTCCACA-GTCCTGT.
Identifiers: ClinVar variation 3902480 (VCV003902480.1).